The following is an entry in ClinVar:

NM_001372066.1(TFAP2A):c.811C>G (p.Leu271Val)

Gene: TFAP2A (transcription factor AP-2 alpha; minus strand). Cytogenetic location: 6p24.3.
Variant type: single nucleotide variant.
Coding change: c.811C>G on transcript NM_001372066.1 (MANE Select); coding-DNA position 811, C replaced by G.
Protein change: p.Leu271Val; replaces leucine 271 with valine.
Molecular consequence: missense variant.
Genome position (GRCh38, 1-based): chr6:10,402,570, G>C on the plus strand (C>G on the coding strand, the complement: TFAP2A is on the minus strand). VCF-style: chr6-10402570-G-C. GRCh37 (hg19) VCF-style: chr6-10402803-G-C.
Other names: NM_003220.2:c.805C>G; c.787C>G, p.Leu263Val (NM_001032280.3); c.793C>G, p.Leu265Val (NM_001042425.3); short protein forms L263V, L265V, L271V.
Identifiers: ClinVar variation 1308014 (VCV001308014.2), dbSNP rs758652364, ClinGen allele CA134046304.

ClinVar aggregate classification (germline): Uncertain significance (1 of 4 stars; one submission).

Allele frequency attached by ClinVar (database versions not stated): gnomAD exomes below 0.00001.

Submission:

GeneDx
Classification: Uncertain significance. Last evaluated: 2019-08-21. Review status: criteria provided, single submitter. Criteria: GeneDx Variant Classification Process June 2021. Collection method: clinical testing. Allele origin: germline. Affected: yes.
Comment: Not observed in large population cohorts (Lek et al., 2016); In silico analysis, which includes protein predictors and evolutionary conservation, supports a deleterious effect; Has not been previously published as pathogenic or benign to our knowledge